The following is an entry in ClinVar:

NM_020041.3(SLC2A9):c.1138C>T (p.Arg380Trp)

Gene: SLC2A9 (solute carrier family 2 member 9; minus strand). Cytogenetic location: 4p16.1.
Variant type: single nucleotide variant.
Coding change: c.1138C>T on transcript NM_020041.3 (MANE Select); coding-DNA position 1138, C replaced by T.
Protein change: p.Arg380Trp; replaces arginine 380 with tryptophan.
Molecular consequence: missense variant.
Genome position (GRCh38, 1-based): chr4:9,890,687, G>A on the plus strand (C>T on the coding strand, the complement: SLC2A9 is on the minus strand). VCF-style: chr4-9890687-G-A. GRCh37 (hg19) VCF-style: chr4-9892311-G-A.
Other names: c.1051C>T, p.Arg351Trp (NM_001001290.2); short protein forms R380W, R351W.
Identifiers: ClinVar variation 4596 (VCV000004596.13), dbSNP rs121908321, ClinGen allele CA116939.
Genomic context (GRCh38, chr4:9,890,687, plus strand): 5'-TGGTGAGGGTCCCAAAGAAGAGGCCCATGAGCCCAAAGCCACCAATGAGGAGGGGTCTCC[G>A]TCCCAGGTGCTCAATGACCAAACCCTAGTCCAGGGTAAAAGAGAGAGAGAGAGCTATTAT-3'
Protein context (NP_064425.2, residues 370-390): FSGLVIEHLG[Arg380Trp]RPLLIGGFGL

ClinVar aggregate classification (germline): Conflicting classifications of pathogenicity. Review status: criteria provided, conflicting classifications (1 of 4 stars). 7 submissions from 7 submitters: Likely pathogenic (2); Uncertain significance (2). 3 of the submissions do not count toward it. Last evaluated 2025-03-27.

Conditions:
Hypouricemia, renal, 2. Also called: HYPOURICEMIA, RENAL, 2, AUTOSOMAL DOMINANT; HYPOURICEMIA, RENAL, 2, AUTOSOMAL RECESSIVE. Identifiers: MedGen C2677549, MONDO:0012793, OMIM 612076.

Allele frequency attached by ClinVar (database versions not stated): gnomAD 0.00003; 1000 Genomes Project 0.00020; 1000 Genomes Project 30x 0.00031.
gnomAD v4.1: 175 of 1,614,078 alleles (0.011%); highest among the groups gnomAD compares: South Asian, 0.14%; 2 homozygotes.

Submissions (7):

First Genomix Gene Laboratory, Genetic Diagnostics Department
Classification: Likely pathogenic for Hypouricemia, renal, 2. Last evaluated: 2025-03-27. Review status: criteria provided, single submitter. Criteria: ACMG Guidelines, 2015. Collection method: clinical testing. Allele origin: germline. Inheritance: Autosomal recessive inheritance. Affected: no. Observed: 1 variant allele.

Revvity Omics, Revvity
Classification: Likely pathogenic for Hypouricemia, renal, 2. Last evaluated: 2023-09-19. Review status: criteria provided, single submitter. Criteria: ACMG Guidelines, 2015. Collection method: clinical testing. Allele origin: germline.

Labcorp Genetics (formerly Invitae), Labcorp
Classification: Uncertain significance. Last evaluated: 2022-12-06. Review status: criteria provided, single submitter. Criteria: Invitae Variant Classification Sherloc (09022015). Collection method: clinical testing. Allele origin: germline.
Comment: This missense change has been observed in individual(s) with hypouricemia (PMID: 19026395, 24397858, 24940677). This sequence change replaces arginine, which is basic and polar, with tryptophan, which is neutral and slightly polar, at codon 380 of the SLC2A9 protein (p.Arg380Trp). This variant is present in population databases (rs121908321, gnomAD 0.1%). ClinVar contains an entry for this variant (Variation ID: 4596). Algorithms developed to predict the effect of missense changes on protein structure and function are either unavailable or do not agree on the potential impact of this missense change (SIFT: "Deleterious"; PolyPhen-2: "Probably Damaging"; Align-GVGD: "Class C0"). Experimental studies have shown that this missense change affects SLC2A9 function (PMID: 19026395, 29967582). In summary, the available evidence is currently insufficient to determine the role of this variant in disease. Therefore, it has been classified as a Variant of Uncertain Significance.

Genomic Research Center, Shahid Beheshti University of Medical Sciences
Classification: Uncertain significance for Renal hypouricemia 2. Last evaluated: 2018-08-07. Review status: criteria provided, single submitter. Criteria: ACMG Guidelines, 2015. Collection method: clinical testing. Allele origin: inherited. Affected: no. Observed: 1 variant allele.

Biochemical Molecular Genetic Laboratory, King Abdulaziz Medical City
Classification: Likely pathogenic for Hypouricemia, renal, 2. Last evaluated: 2019-09-26. Review status: no assertion criteria provided. Collection method: clinical testing. Allele origin: germline. Affected: yes. Not counted in ClinVar's aggregate classification.

Baylor Genetics
Classification: Pathogenic for Hypouricemia, renal, 2. Last evaluated: 2014-08-25. Review status: no assertion criteria provided. Collection method: clinical testing. Allele origin: germline. Inheritance: Autosomal dominant inheritance. Observed: 2 variant alleles, 2 heterozygotes. Not counted in ClinVar's aggregate classification.

OMIM
Classification: Pathogenic for HYPOURICEMIA, RENAL, 2, AUTOSOMAL DOMINANT. Last evaluated: 2014-01-01. Review status: no assertion criteria provided. Collection method: literature only. Allele origin: germline. Not counted in ClinVar's aggregate classification.

Literature cited by the submitters: PubMed 19026395 (cited by 3 submitters); PubMed 24397858 (cited by Labcorp Genetics (formerly Invitae), Labcorp and Baylor Genetics); PubMed 24940677 (cited by Labcorp Genetics (formerly Invitae), Labcorp and OMIM); PubMed 29967582 (cited by Labcorp Genetics (formerly Invitae), Labcorp); PubMed 22132964 (cited by Baylor Genetics).